The following is an entry in ClinVar:

NM_004444.5(EPHB4):c.2528C>G (p.Pro843Arg)

Genes: EPHB4 (EPH receptor B4; minus strand), LOC126860124 (CDK7 strongly-dependent group 2 enhancer GRCh37_chr7:100403701-100404900; plus strand). Cytogenetic location: 7q22.1.
Variant type: single nucleotide variant.
Coding change: c.2528C>G on transcript NM_004444.5 (MANE Select); coding-DNA position 2528, C replaced by G.
Protein change: p.Pro843Arg; replaces proline 843 with arginine.
Molecular consequence: missense variant.
Genome position (GRCh38, 1-based): chr7:100,805,651, G>C on the plus strand (C>G on the coding strand, the complement: EPHB4 is on the minus strand). VCF-style: chr7-100805651-G-C. GRCh37 (hg19) VCF-style: chr7-100403273-G-C.
Other names: short protein forms P843R.
Identifiers: ClinVar variation 3275991 (VCV003275991.2).

ClinVar aggregate classification (germline): Uncertain significance (1 of 4 stars; one submission).

Conditions:
Cardiovascular phenotype. Identifiers: MedGen CN230736.

gnomAD v4.1: 2 of 1,540,244 alleles (0.00013%); highest among the groups gnomAD compares: Admixed American, 0.0022%; no homozygotes.

Submission:

Ambry Genetics
Classification: Uncertain significance for Cardiovascular phenotype. Last evaluated: 2025-10-25. Review status: criteria provided, single submitter. Criteria: Ambry Variant Classification Scheme 2023. Collection method: clinical testing. Allele origin: germline.
Comment: The p.P843R variant (also known as c.2528C>G), located in coding exon 15 of the EPHB4 gene, results from a C to G substitution at nucleotide position 2528. The proline at codon 843 is replaced by arginine, an amino acid with dissimilar properties. This amino acid position is conserved. In addition, the in silico prediction for this alteration is inconclusive. Based on the available evidence, the clinical significance of this variant remains unclear.